The following is an entry in ClinVar:

ClinVar aggregate classification (germline): Uncertain significance (1 of 4 stars; one submission).

Allele frequency attached by ClinVar (database versions not stated): gnomAD exomes below 0.00001.
gnomAD v4.1: 1 of 1,614,198 alleles (0.000062%); highest among the groups gnomAD compares: East Asian, 0.0022%; no homozygotes.

Submission:

Ambry Genetics
Classification: Uncertain significance. Last evaluated: 2023-09-15. Review status: criteria provided, single submitter. Criteria: Ambry Variant Classification Scheme 2023. Collection method: clinical testing. Allele origin: germline.
Comment: The p.L447V variant (also known as c.1339C>G), located in coding exon 6 of the PALLD gene, results from a C to G substitution at nucleotide position 1339. The leucine at codon 447 is replaced by valine, an amino acid with highly similar properties. This amino acid position is conserved. In addition, the in silico prediction for this alteration is inconclusive. Since supporting evidence is limited at this time, the clinical significance of this alteration remains unclear.

NM_001166108.2(PALLD):c.1339C>G (p.Leu447Val)

Gene: PALLD (palladin, cytoskeletal associated protein; plus strand). Cytogenetic location: 4q32.3.
Variant type: single nucleotide variant.
Coding change: c.1339C>G on transcript NM_001166108.2 (MANE Select); coding-DNA position 1339, C replaced by G.
Protein change: p.Leu447Val; replaces leucine 447 with valine.
Molecular consequence: missense variant.
Genome position (GRCh38, 1-based): chr4:168,690,606, C>G. VCF-style: chr4-168690606-C-G. GRCh37 (hg19) VCF-style: chr4-169611757-C-G.
Other names: c.193C>G, p.Leu65Val (NM_001166109.2); c.1339C>G, p.Leu447Val (NM_016081.4); short protein forms L447V, L65V.
Identifiers: ClinVar variation 3226727 (VCV003226727.1), dbSNP rs1182486366, ClinGen allele CA358795244.